The following is an entry in ClinVar:

NM_003265.3(TLR3):c.742A>G (p.Thr248Ala)

Gene: TLR3 (toll like receptor 3; plus strand). Cytogenetic location: 4q35.1.
Variant type: single nucleotide variant.
Coding change: c.742A>G on transcript NM_003265.3 (MANE Select); coding-DNA position 742, A replaced by G.
Protein change: p.Thr248Ala; replaces threonine 248 with alanine.
Molecular consequence: missense variant.
Genome position (GRCh38, 1-based): chr4:186,082,428, A>G. VCF-style: chr4-186082428-A-G. GRCh37 (hg19) VCF-style: chr4-187003582-A-G.
Other names: short protein forms T248A.
Identifiers: ClinVar variation 1979903 (VCV001979903.5), dbSNP rs750608308, ClinGen allele CA3161302.

ClinVar aggregate classification (germline): Uncertain significance. Review status: criteria provided, multiple submitters, no conflicts (2 of 4 stars). 2 submissions from 2 submitters: Uncertain significance (2). Last evaluated 2025-12-10.

Conditions:
Encephalopathy, acute, infection-induced (herpes-specific), susceptibility to, 1. Also called: Herpes simplex encephalitis, susceptibility to, 1. Identifiers: Orphanet 1930, MedGen C2750180, MONDO:0024563, OMIM 610551.

Allele frequency attached by ClinVar (database versions not stated): TOPMed below 0.00001; ExAC 0.00001; gnomAD 0.00001; gnomAD exomes 0.00001.
gnomAD v4.1: 7 of 1,614,008 alleles (0.00043%); highest among the groups gnomAD compares: Non-Finnish European, 0.00051%; no homozygotes.

Submissions (2):

Labcorp Genetics (formerly Invitae), Labcorp
Classification: Uncertain significance for Encephalopathy, acute, infection-induced (herpes-specific), susceptibility to, 1. Last evaluated: 2025-12-10. Review status: criteria provided, single submitter. Criteria: Invitae Variant Classification Sherloc (09022015). Collection method: clinical testing. Allele origin: germline.
Comment: This sequence change replaces threonine, which is neutral and polar, with alanine, which is neutral and non-polar, at codon 248 of the TLR3 protein (p.Thr248Ala). This variant is present in population databases (rs750608308, gnomAD 0.0009%). This variant has not been reported in the literature in individuals affected with TLR3-related conditions. ClinVar contains an entry for this variant (Variation ID: 1979903). An algorithm developed to predict the effect of missense changes on protein structure and function (PolyPhen-2) suggests that this variant is likely to be disruptive. In summary, the available evidence is currently insufficient to determine the role of this variant in disease. Therefore, it has been classified as a Variant of Uncertain Significance.

Blueprint Genetics
Classification: Uncertain significance. Last evaluated: 2022-12-20. Review status: criteria provided, single submitter. Criteria: ACMG Guidelines, 2015. Collection method: clinical testing. Allele origin: germline.